The following is an entry in ClinVar:

ClinVar aggregate classification (germline): Likely benign. Review status: criteria provided, multiple submitters, no conflicts (2 of 4 stars). 2 submissions from 2 submitters: Likely benign (2). Last evaluated 2026-07-07.

Conditions:
Rhabdoid tumor predisposition syndrome 2 (RTPS2). Identifiers: Orphanet 231108, Orphanet 69077, MedGen C2750074, MONDO:0013224, OMIM 613325.

gnomAD v4.1: 2 of 1,608,748 alleles (0.00012%); highest among the groups gnomAD compares: Non-Finnish European, 0.00017%; no homozygotes.

Submissions (2):

Myriad Genetics, Inc.
Classification: Likely benign for Rhabdoid tumor predisposition syndrome 2. Last evaluated: 2026-07-07. Review status: criteria provided, single submitter. Criteria: Myriad Autosomal Dominant, Autosomal Recessive and X-Linked Classification Criteria (2023). Collection method: clinical testing. Allele origin: unknown.
Comment: This variant is considered likely benign. This variant is intronic and is not expected to impact mRNA splicing.

Labcorp Genetics (formerly Invitae), Labcorp
Classification: Likely benign for Rhabdoid tumor predisposition syndrome 2. Last evaluated: 2025-09-30. Review status: criteria provided, single submitter. Criteria: Invitae Variant Classification Sherloc (09022015). Collection method: clinical testing. Allele origin: germline.

NM_003072.5(SMARCA4):c.3546+9G>C

Gene: SMARCA4 (SWI/SNF related BAF chromatin remodeling complex subunit ATPase 4; plus strand). Cytogenetic location: 19p13.2.
Variant type: single nucleotide variant.
Coding change: c.3546+9G>C on transcript NM_003072.5 (MANE Select); 9 bases into the intron after coding-DNA position 3546, G replaced by C.
Molecular consequence: intron variant.
Genome position (GRCh38, 1-based): chr19:11,030,902, G>C. VCF-style: chr19-11030902-G-C. GRCh37 (hg19) VCF-style: chr19-11141578-G-C.
Other names: c.3546+9G>C (NM_001128844.3, NM_001128849.3, NM_001128847.4 and 4 more transcripts).
Identifiers: ClinVar variation 742728 (VCV000742728.11), dbSNP rs544551192, ClinGen allele CA915951630.